The following is an entry in ClinVar:

ClinVar aggregate classification (germline): Conflicting classifications of pathogenicity. Review status: criteria provided, conflicting classifications (1 of 4 stars). 7 submissions from 7 submitters: Uncertain significance (1); Benign (3); Likely benign (3). Last evaluated 2026-08-01.

Conditions:
Bardet-Biedl syndrome (BBS). Identifiers: Orphanet 110, MedGen C0752166, MONDO:0015229.

Allele frequency attached by ClinVar (database versions not stated): gnomAD 0.00183 and 0.00187; 1000 Genomes Project 0.00240; ExAC 0.00450; 1000 Genomes Project 30x 0.00250; gnomAD exomes 0.00634 and 0.00134; ESP Exome Variant Server 0.00031; TOPMed 0.00413.
gnomAD v4.1: 2,212 of 1,611,756 alleles (0.14%); highest among the groups gnomAD compares: Admixed American, 3.5%; 50 homozygotes.

Submissions (13):

CeGaT Center for Human Genetics Tuebingen
Classification: Likely benign. Last evaluated: 2026-08-01. Review status: criteria provided, single submitter. Criteria: CeGaT Center For Human Genetics Tuebingen Variant Classification Criteria Version 2. Collection method: clinical testing. Allele origin: germline. Affected: yes. Observed: 6 variant alleles.
Comment: BBS5: BP4

Labcorp Genetics (formerly Invitae), Labcorp
Classification: Benign for Bardet-Biedl syndrome. Last evaluated: 2026-02-01. Review status: criteria provided, single submitter. Criteria: Invitae Variant Classification Sherloc (09022015). Collection method: clinical testing. Allele origin: germline.

Blueprint Genetics
Classification: Likely benign. Last evaluated: 2024-11-04. Review status: criteria provided, single submitter. Criteria: ACMG Guidelines, 2015. Collection method: clinical testing. Allele origin: germline.

Women's Health and Genetics/Laboratory Corporation of America, LabCorp
Classification: Likely benign. Last evaluated: 2022-05-03. Review status: criteria provided, single submitter. Criteria: LabCorp Variant Classification Summary - May 2015. Collection method: clinical testing. Allele origin: germline.

Eurofins Ntd Llc (ga)
Classification: Benign. Last evaluated: 2017-02-16. Review status: criteria provided, single submitter. Criteria: EGL Classification Definitions 2015. Collection method: clinical testing. Allele origin: germline. Observed: 3 variant alleles, 3 heterozygotes.

GeneDx
Classification: Uncertain significance. Last evaluated: 2016-03-08. Review status: criteria provided, single submitter. Criteria: GeneDx Variant Classification (06012015). Collection method: clinical testing. Allele origin: germline. Affected: yes.
Comment: The D195G variant in the BBS5 gene has not been reported previously as a pathogenic variant, nor as a benign variant, to our knowledge. This variant was not observed at any significant frequency in approximately 6500 individuals of European and African American ancestry in the NHLBI Exome Sequencing Project, indicating it is not a common benign variant in these populations. The D195G variant is a non-conservative amino acid substitution, which is likely to impact secondary protein structure as these residues differ in polarity, charge, size and/or other properties. This substitution occurs at a position where amino acids with similar properties to Aspartic Acid are tolerated across species. In silico analysis is inconsistent in its predictions as to whether or not the variant is damaging to the protein structure/function. We interpret D195G as a variant of uncertain significance.

PreventionGenetics, part of Exact Sciences
Classification: Benign. Review status: criteria provided, single submitter. Criteria: ACMG Guidelines, 2015. Collection method: clinical testing. Allele origin: germline.

Dr. Peter K. Rogan Lab, Western University
No classification provided (evidence only). Condition: Cervical cancer. Review status: no classification provided. Collection method: in vitro. Allele origin: not applicable. Functional consequence: retained intron. Not counted in ClinVar's aggregate classification.

Dr. Peter K. Rogan Lab, Western University
No classification provided (evidence only). Condition: Cervical cancer. Review status: no classification provided. Collection method: in vitro. Allele origin: not applicable. Functional consequence: retained intron. Not counted in ClinVar's aggregate classification.

Dr. Peter K. Rogan Lab, Western University
No classification provided (evidence only). Condition: Sarcoma. Review status: no classification provided. Collection method: in vitro. Allele origin: not applicable. Functional consequence: retained intron. Not counted in ClinVar's aggregate classification.

Dr. Peter K. Rogan Lab, Western University
No classification provided (evidence only). Condition: Sarcoma. Review status: no classification provided. Collection method: in vitro. Allele origin: not applicable. Functional consequence: retained intron. Not counted in ClinVar's aggregate classification.

Dr. Peter K. Rogan Lab, Western University
No classification provided (evidence only). Condition: Nonpapillary renal cell carcinoma. Review status: no classification provided. Collection method: in vitro. Allele origin: not applicable. Functional consequence: retained intron. Not counted in ClinVar's aggregate classification.

Dr. Peter K. Rogan Lab, Western University
No classification provided (evidence only). Condition: Malignant tumor of esophagus. Review status: no classification provided. Collection method: in vitro. Allele origin: not applicable. Functional consequence: retained intron. Not counted in ClinVar's aggregate classification.

NM_152384.3(BBS5):c.584A>G (p.Asp195Gly)

Gene: BBS5 (Bardet-Biedl syndrome 5; plus strand). Cytogenetic location: 2q31.1.
Variant type: single nucleotide variant.
Coding change: c.584A>G on transcript NM_152384.3 (MANE Select); coding-DNA position 584, A replaced by G.
Protein change: p.Asp195Gly; replaces aspartic acid 195 with glycine.
Molecular consequence: missense variant.
Genome position (GRCh38, 1-based): chr2:169,493,802, A>G. VCF-style: chr2-169493802-A-G. GRCh37 (hg19) VCF-style: chr2-170350312-A-G.
Other names: short protein forms D195G.
Identifiers: ClinVar variation 96498 (VCV000096498.28), dbSNP rs143191074, ClinGen allele CA224184.